The following is an entry in ClinVar:

NM_004525.3(LRP2):c.10877A>G (p.Asp3626Gly)

Gene: LRP2 (LDL receptor related protein 2; minus strand). Cytogenetic location: 2q31.1.
Variant type: single nucleotide variant.
Coding change: c.10877A>G on transcript NM_004525.3 (MANE Select); coding-DNA position 10877, A replaced by G.
Protein change: p.Asp3626Gly; replaces aspartic acid 3626 with glycine.
Molecular consequence: missense variant.
Genome position (GRCh38, 1-based): chr2:169,174,056, T>C on the plus strand (A>G on the coding strand, the complement: LRP2 is on the minus strand). VCF-style: chr2-169174056-T-C. GRCh37 (hg19) VCF-style: chr2-170030566-T-C.
Other names: short protein forms D3626G.
Identifiers: ClinVar variation 1977893 (VCV001977893.5), dbSNP rs1362315808, ClinGen allele CA349144871.

ClinVar aggregate classification (germline): Uncertain significance (1 of 4 stars; one submission).

gnomAD v4.1: 1 of 1,614,194 alleles (0.000062%); highest among the groups gnomAD compares: African/African-American, 0.0013%; no homozygotes.

Submission:

Labcorp Genetics (formerly Invitae), Labcorp
Classification: Uncertain significance. Last evaluated: 2023-12-11. Review status: criteria provided, single submitter. Criteria: Invitae Variant Classification Sherloc (09022015). Collection method: clinical testing. Allele origin: germline.
Comment: This sequence change replaces aspartic acid, which is acidic and polar, with glycine, which is neutral and non-polar, at codon 3626 of the LRP2 protein (p.Asp3626Gly). This variant is present in population databases (no rsID available, gnomAD 0.007%). This variant has not been reported in the literature in individuals affected with LRP2-related conditions. ClinVar contains an entry for this variant (Variation ID: 1977893). An algorithm developed to predict the effect of missense changes on protein structure and function (PolyPhen-2) suggests that this variant is likely to be disruptive. In summary, the available evidence is currently insufficient to determine the role of this variant in disease. Therefore, it has been classified as a Variant of Uncertain Significance.